The following is an entry in ClinVar:

ClinVar aggregate classification (germline): Uncertain significance (1 of 4 stars; one submission).

Conditions:
Arrhythmogenic right ventricular dysplasia 1. Identifiers: Orphanet 3403, MedGen C1862511, MONDO:0007152, OMIM 107970.

Allele frequency attached by ClinVar (database versions not stated): TOPMed below 0.00001.
gnomAD v4.1: 10 of 1,595,574 alleles (0.00063%); highest among the groups gnomAD compares: Non-Finnish European, 0.00068%; no homozygotes.

Submission:

Baylor-Hopkins Center for Mendelian Genomics, Johns Hopkins University School of Medicine
Classification: Uncertain significance for Arrhythmogenic right ventricular dysplasia, familial 1. Review status: criteria provided, single submitter. Criteria: ACMG Guidelines, 2015. Collection method: research. Allele origin: unknown. Affected: yes. Observed: 1 variant allele, 1 heterozygote.
Comment: Phase not known

NM_201384.3(PLEC):c.2354C>G (p.Ala785Gly)

Gene: PLEC (plectin; minus strand). Cytogenetic location: 8q24.3.
Variant type: single nucleotide variant.
Coding change: c.2354C>G on transcript NM_201384.3 (MANE Select); coding-DNA position 2354, C replaced by G.
Protein change: p.Ala785Gly; replaces alanine 785 with glycine.
Molecular consequence: missense variant.
Genome position (GRCh38, 1-based): chr8:143,930,487, G>C on the plus strand (C>G on the coding strand, the complement: PLEC is on the minus strand). VCF-style: chr8-143930487-G-C. GRCh37 (hg19) VCF-style: chr8-145004655-G-C.
Other names: c.2435C>G, p.Ala812Gly (NM_000445.5); c.2312C>G, p.Ala771Gly (NM_201378.4); c.2288C>G, p.Ala763Gly (NM_201379.3); c.2765C>G, p.Ala922Gly (NM_201380.4); c.2258C>G, p.Ala753Gly (NM_201381.3); c.2354C>G, p.Ala785Gly (NM_201382.4); c.2366C>G, p.Ala789Gly (NM_201383.3); short protein forms A753G, A763G, A771G, A785G, A789G, A812G, A922G.
Identifiers: ClinVar variation 634815 (VCV000634815.3), dbSNP rs781932151, ClinGen allele CA4927561.